The following is an entry in ClinVar:

ClinVar aggregate classification (germline): Uncertain significance (1 of 4 stars; one submission).

gnomAD v4.1: 2 of 1,608,368 alleles (0.00012%); highest among the groups gnomAD compares: South Asian, 0.0011%; no homozygotes.

Submission:

Ambry Genetics
Classification: Uncertain significance. Last evaluated: 2025-10-05. Review status: criteria provided, single submitter. Criteria: Ambry Variant Classification Scheme 2023. Collection method: clinical testing. Allele origin: germline.
Comment: The p.A166T variant (also known as c.496G>A), located in coding exon 1 of the MC1R gene, results from a G to A substitution at nucleotide position 496. The alanine at codon 166 is replaced by threonine, an amino acid with similar properties. This amino acid position is conserved. In addition, this alteration is predicted to be tolerated by in silico analysis. Based on the available evidence, the clinical significance of this variant remains unclear.

NM_002386.4(MC1R):c.496G>A (p.Ala166Thr)

Gene: MC1R (melanocortin 1 receptor; plus strand). Cytogenetic location: 16q24.3.
Variant type: single nucleotide variant.
Coding change: c.496G>A on transcript NM_002386.4 (MANE Select); coding-DNA position 496, G replaced by A.
Protein change: p.Ala166Thr; replaces alanine 166 with threonine.
Molecular consequence: missense variant.
Genome position (GRCh38, 1-based): chr16:89,919,754, G>A. VCF-style: chr16-89919754-G-A. GRCh37 (hg19) VCF-style: chr16-89986162-G-A.
Other names: short protein forms A166T.
Identifiers: ClinVar variation 4550297 (VCV004550297.1).